The following is an entry in ClinVar:

NM_017671.5(FERMT1):c.676dup (p.Gln226fs)

Gene: FERMT1 (FERM domain containing kindlin 1; minus strand). Cytogenetic location: 20p12.3.
Variant type: Duplication.
Coding change: c.676dup on transcript NM_017671.5 (MANE Select); coding-DNA position 676, one base duplicated (C; older notation c.676dupC).
Protein change: p.Gln226fs; shifts the reading frame from glutamine 226.
Molecular consequence: frameshift variant.
Genome position (GRCh38, 1-based): chr20:6,110,368, G duplicated on the plus strand (C on the coding strand, the reverse complement: FERMT1 is on the minus strand); the first of 7 consecutive G bases (chr20:6,110,368-6,110,374); duplicating any one gives the same sequence. VCF-style (leftmost placement, unchanged base first): chr20-6110367-T-TG. GRCh37 (hg19) VCF-style: chr20-6091014-T-TG.
Other names: p. Gln226ProfsTer17; c.676dupC (NM_017671.4, NM_017671.5); c.676dup (NM_017671.4); short protein forms Q226fs.
Identifiers: ClinVar variation 419593 (VCV000419593.18), dbSNP rs748240859, ClinGen allele CA9758396.

ClinVar aggregate classification (germline): Pathogenic. Review status: criteria provided, multiple submitters, no conflicts (2 of 4 stars). 8 submissions from 8 submitters: Pathogenic (6). 2 of the submissions do not count toward it. Last evaluated 2026-01-05.

Conditions:
FERMT1-related disorder. Also called: FERMT1-related condition.
FERMT1-related disorders.
Kindler syndrome (KNDLRS). Also called: Kindler's syndrome; POIKILODERMA, CONGENITAL, WITH BULLAE, WEARY TYPE; POIKILODERMA, HEREDITARY ACROKERATOTIC; BULLOUS ACROKERATOTIC POIKILODERMA OF KINDLER AND WEARY; Hereditary acrokeratotic poikiloderma of Weary; Poikiloderma of Kindler. Identifiers: Orphanet 2908, Orphanet 306539, MedGen C0406557, MONDO:0008260, OMIM 173650.

Submissions (8):

PreventionGenetics, part of Exact Sciences
Classification: Pathogenic for FERMT1-related condition. Last evaluated: 2026-01-05. Review status: criteria provided, single submitter. Criteria: ACMG Guidelines, 2015. Collection method: clinical testing. Allele origin: germline.
Comment: The FERMT1 c.676dupC variant is predicted to result in a frameshift and premature protein termination (p.Gln226Profs*17). This variant has been reported in the homozygous or compound heterozygous state in individuals with Kindler syndrome (see, for example, Ashton et al. 2004. PubMed ID: 14962093; Gkaitatzi et al. 2019. PubMed ID: 30838128; Krämer et al. 2024. PubMed ID: 38506824). This variant is reported in 0.0065% of alleles in individuals of South Asian descent in gnomAD. Frameshift variants in FERMT1 are expected to be pathogenic. This variant is interpreted as pathogenic.

Blueprint Genetics
Classification: Pathogenic for FERMT1-related disorders. Last evaluated: 2024-10-11. Review status: criteria provided, single submitter. Criteria: ACMG Guidelines, 2015. Collection method: clinical testing. Allele origin: germline. Affected: yes. Observed: 5 variant alleles.

3billion
Classification: Pathogenic for Kindler syndrome. Last evaluated: 2024-03-07. Review status: criteria provided, single submitter. Criteria: ACMG Guidelines, 2015. Collection method: clinical testing. Allele origin: germline. Affected: yes.
Comment: The variant is observed at an extremely low frequency in the gnomAD v2.1.1 dataset (total allele frequency: 0.004%). Predicted Consequence/Location: Frameshift: predicted to result in a loss or disruption of normal protein function through nonsense-mediated decay (NMD) or protein truncation. Multiple pathogenic variants are reported downstream of the variant. The variant has been reported at least twice as pathogenic with clinical assertions and evidence for the classification (ClinVar ID: VCV000419593 /PMID: 14962093 /3billion dataset). Therefore, this variant is classified as Pathogenic according to the recommendation of ACMG/AMP guideline.

Labcorp Genetics (formerly Invitae), Labcorp
Classification: Pathogenic. Last evaluated: 2024-02-02. Review status: criteria provided, single submitter. Criteria: Invitae Variant Classification Sherloc (09022015). Collection method: clinical testing. Allele origin: germline.
Comment: This sequence change creates a premature translational stop signal (p.Gln226Profs*17) in the FERMT1 gene. It is expected to result in an absent or disrupted protein product. Loss-of-function variants in FERMT1 are known to be pathogenic (PMID: 14962093, 21936020). This variant is present in population databases (rs748240859, gnomAD 0.006%). This premature translational stop signal has been observed in individual(s) with Kindler syndrome (PMID: 14962093, 30838128). ClinVar contains an entry for this variant (Variation ID: 419593). Algorithms developed to predict the effect of sequence changes on RNA splicing suggest that this variant may disrupt the consensus splice site. For these reasons, this variant has been classified as Pathogenic.

GeneDx
Classification: Pathogenic. Last evaluated: 2024-01-05. Review status: criteria provided, single submitter. Criteria: GeneDx Variant Classification Process June 2021. Collection method: clinical testing. Allele origin: germline. Affected: yes.
Comment: Frameshift variant predicted to result in protein truncation or nonsense mediated decay in a gene for which loss of function is a known mechanism of disease; This variant is associated with the following publications: (PMID: 22466645, 34008892, 14962093, 33921969, 30838128, 22220914)

Laboratory of Medical Genetics, National & Kapodistrian University of Athens
Classification: Pathogenic for Kindler syndrome. Last evaluated: 2018-07-10. Review status: criteria provided, single submitter. Criteria: ACMG Guidelines, 2015. Collection method: clinical testing. Allele origin: germline. Affected: yes.
Comment: PVS1, PM2, PP4, PP5

Human Molecular Lab, Hazara University
Classification: Pathogenic for Kindler syndrome. Last evaluated: 2025-02-05. Review status: no assertion criteria provided. Collection method: clinical testing. Allele origin: germline. Inheritance: Autosomal recessive inheritance. Affected: yes. Observed: 4 variant alleles, 4 homozygotes. Clinical features observed: Tooth loss, Hyper pigmented nails, club nails. Not counted in ClinVar's aggregate classification.
Comment: c.676dup.gGln226profsTer17 variant of FERMT1 gene has been reported previously in different population including Pakistan with autosomal recessive mode of inheritance pattern for the kindler syndrome, segregated with disease in the five members of the family. in summary, the specific variant meets criteria to be classified as pathogenic.

GeneReviews
No classification provided. Condition: Kindler syndrome. Review status: no classification provided. Collection method: literature only. Allele origin: germline. Not counted in ClinVar's aggregate classification.
Comment: Common pathogenic variant

Literature cited by the submitters: PubMed 14962093 (cited by 3billion and Labcorp Genetics (formerly Invitae), Labcorp); PubMed 21936020 (cited by Labcorp Genetics (formerly Invitae), Labcorp); PubMed 30838128 (cited by Labcorp Genetics (formerly Invitae), Labcorp); NCBI Bookshelf NBK349072 (cited by GeneReviews); PubMed 17916195 (cited by GeneReviews); PubMed 22466645 (cited by GeneReviews); PubMed 24346923 (cited by GeneReviews); PubMed 27293055 (cited by GeneReviews); PubMed 31340837 (cited by GeneReviews); PubMed 31957900 (cited by GeneReviews).